The following is an entry in ClinVar:

NM_001042492.3(NF1):c.7582C>A (p.Gln2528Lys)

Gene: NF1 (neurofibromin 1; plus strand). Cytogenetic location: 17q11.2.
Variant type: single nucleotide variant.
Coding change: c.7582C>A on transcript NM_001042492.3 (MANE Select); coding-DNA position 7582, C replaced by A.
Protein change: p.Gln2528Lys; replaces glutamine 2528 with lysine.
Molecular consequence: missense variant.
Genome position (GRCh38, 1-based): chr17:31,352,381, C>A. VCF-style: chr17-31352381-C-A. GRCh37 (hg19) VCF-style: chr17-29679399-C-A.
Other names: c.7519C>A, p.Gln2507Lys (NM_000267.4); short protein forms Q2507K, Q2528K.
Identifiers: ClinVar variation 3634601 (VCV003634601.2).

ClinVar aggregate classification (germline): Uncertain significance (1 of 4 stars; one submission).

Conditions:
Neurofibromatosis, type 1 (NF1). Also called: VON RECKLINGHAUSEN DISEASE; Peripheral type neurofibromatosis; NEUROFIBROMATOSIS, TYPE I, SOMATIC; Neurofibromatosis, type I. Identifiers: Orphanet 636, MedGen C0027831, MONDO:0018975, OMIM 162200. Disease mechanism: loss of function.

Submission:

Labcorp Genetics (formerly Invitae), Labcorp
Classification: Uncertain significance for Neurofibromatosis, type 1. Last evaluated: 2024-04-29. Review status: criteria provided, single submitter. Criteria: Invitae Variant Classification Sherloc (09022015). Collection method: clinical testing. Allele origin: germline.
Comment: This sequence change replaces glutamine, which is neutral and polar, with lysine, which is basic and polar, at codon 2507 of the NF1 protein (p.Gln2507Lys). This variant is not present in population databases (gnomAD no frequency). This variant has not been reported in the literature in individuals affected with NF1-related conditions. Advanced modeling of protein sequence and biophysical properties (such as structural, functional, and spatial information, amino acid conservation, physicochemical variation, residue mobility, and thermodynamic stability) has been performed at Invitae for this missense variant, however the output from this modeling did not meet the statistical confidence thresholds required to predict the impact of this variant on NF1 protein function. In summary, the available evidence is currently insufficient to determine the role of this variant in disease. Therefore, it has been classified as a Variant of Uncertain Significance.